The following is an entry in ClinVar:

NM_016955.4(SEPSECS):c.1057AAG[1] (p.Lys354del)

Gene: SEPSECS (Sep (O-phosphoserine) tRNA:Sec (selenocysteine) tRNA synthase; minus strand). Cytogenetic location: 4p15.2.
Variant type: Microsatellite.
Coding change: c.1057AAG[1] on transcript NM_016955.4 (MANE Select); one copy of the 3-base unit AAG starting at c.1057; the reference has two copies in a row; one copy, 3 bases deleted.
Protein change: p.Lys354del; deletes lysine 354.
Molecular consequence: inframe deletion. On other transcripts: inframe indel (2).
Genome position (GRCh38, 1-based): chr4:25,127,322-25,127,324, CTT deleted on the plus strand (AAG on the coding strand, the reverse complement: SEPSECS is on the minus strand); deleting any 3 consecutive bases within chr4:25,127,322-25,127,327 gives the same sequence; the position shown is the placement nearest the transcript's 3' end. VCF-style (leftmost placement, unchanged base first): chr4-25127321-ACTT-A. GRCh37 (hg19) VCF-style: chr4-25128943-ACTT-A.
Other names: c.1312_1314AAG[1], p.Lys439del (NM_001410714.1); c.1057_1059AAG[1], p.Lys354del (NM_153825.2); short protein forms K354del, K439del.
Identifiers: ClinVar variation 2242958 (VCV002242958.2), dbSNP rs758509325, ClinGen allele CA2877257.
Genomic context (GRCh38, chr4:25,127,321, plus strand): 5'-TACCTAAAGATATGGGATTGTGAGGTGTATGCAACAGTCTTTCATTGTAGGCTTCTGACA[ACTT>A]CTTTATTTGGTTGGACAAATATGAAAACATTTCCTGCAACAACAAAATGTCACATTTAAA-3'

ClinVar aggregate classification (germline): Uncertain significance (1 of 4 stars; one submission).

Conditions:
Inborn genetic diseases. Identifiers: MedGen C0950123, MeSH D030342.

Submission:

Ambry Genetics
Classification: Uncertain significance for Inborn genetic diseases. Last evaluated: 2021-10-06. Review status: criteria provided, single submitter. Criteria: Ambry Variant Classification Scheme 2023. Collection method: clinical testing. Allele origin: germline.
Comment: The c.1060_1062delAAG (p.K354del) alteration is located in exon 9 (coding exon 9) of the SEPSECS gene. This alteration consists of an in-frame deletion of 3 nucleotides between nucleotide positions c.1060 and c.1062, resulting in the deletion of <NA> residues. Based on insufficient or conflicting evidence, the clinical significance of this alteration remains unclear.